The following is an entry in ClinVar:

NM_006129.5(BMP1):c.1838C>G (p.Pro613Arg)

Gene: BMP1 (bone morphogenetic protein 1; plus strand). Cytogenetic location: 8p21.3.
Variant type: single nucleotide variant.
Coding change: c.1838C>G on transcript NM_006129.5 (MANE Select); coding-DNA position 1838, C replaced by G.
Protein change: p.Pro613Arg; replaces proline 613 with arginine.
Molecular consequence: missense variant. On other transcripts: non-coding transcript variant (2).
Genome position (GRCh38, 1-based): chr8:22,196,752, C>G. VCF-style: chr8-22196752-C-G. GRCh37 (hg19) VCF-style: chr8-22054265-C-G.
Other names: c.1838C>G, p.Pro613Arg (NM_001199.4); short protein forms P613R.
Identifiers: ClinVar variation 3710805 (VCV003710805.2).

ClinVar aggregate classification (germline): Uncertain significance (1 of 4 stars; one submission).

gnomAD v4.1: 53 of 1,614,006 alleles (0.0033%); highest among the groups gnomAD compares: Non-Finnish European, 0.004%; no homozygotes.

Submission:

Labcorp Genetics (formerly Invitae), Labcorp
Classification: Uncertain significance. Last evaluated: 2025-10-04. Review status: criteria provided, single submitter. Criteria: Invitae Variant Classification Sherloc (09022015). Collection method: clinical testing. Allele origin: germline.
Comment: This sequence change replaces proline, which is neutral and non-polar, with arginine, which is basic and polar, at codon 613 of the BMP1 protein (p.Pro613Arg). This variant is present in population databases (no rsID available, gnomAD 0.0009%). This variant has not been reported in the literature in individuals affected with BMP1-related conditions. ClinVar contains an entry for this variant (Variation ID: 3710805). Invitae Evidence Modeling of protein sequence and biophysical properties (such as structural, functional, and spatial information, amino acid conservation, physicochemical variation, residue mobility, and thermodynamic stability) indicates that this missense variant is not expected to disrupt BMP1 protein function with a negative predictive value of 80%. In summary, the available evidence is currently insufficient to determine the role of this variant in disease. Therefore, it has been classified as a Variant of Uncertain Significance.